The following is an entry in ClinVar:

ClinVar aggregate classification (germline): Uncertain significance (1 of 4 stars; one submission).

Submission:

Labcorp Genetics (formerly Invitae), Labcorp
Classification: Uncertain significance. Last evaluated: 2022-09-14. Review status: criteria provided, single submitter. Criteria: Invitae Variant Classification Sherloc (09022015). Collection method: clinical testing. Allele origin: germline.
Comment: This sequence change replaces histidine, which is basic and polar, with arginine, which is basic and polar, at codon 3 of the KANK1 protein (p.His3Arg). This variant is not present in population databases (gnomAD no frequency). This variant has not been reported in the literature in individuals affected with KANK1-related conditions. Algorithms developed to predict the effect of missense changes on protein structure and function are either unavailable or do not agree on the potential impact of this missense change (SIFT: "Deleterious"; PolyPhen-2: "Benign"; Align-GVGD: "Class C0"). In summary, the available evidence is currently insufficient to determine the role of this variant in disease. Therefore, it has been classified as a Variant of Uncertain Significance.

NM_015158.5(KANK1):c.8A>G (p.His3Arg)

Genes: KANK1 (KN motif and ankyrin repeat domains 1; plus strand), KANK1-AS1 (KANK1 antisense RNA 1; minus strand). Cytogenetic location: 9p24.3.
Variant type: single nucleotide variant.
Coding change: c.8A>G on transcript NM_015158.5 (MANE Select); coding-DNA position 8, A replaced by G.
Protein change: p.His3Arg; replaces histidine 3 with arginine.
Molecular consequence: missense variant. On other transcripts: 5 prime UTR variant (1).
Genome position (GRCh38, 1-based): chr9:676,980, A>G. VCF-style: chr9-676980-A-G. GRCh37 (hg19) VCF-style: chr9-676980-A-G.
Other names: c.8A>G, p.His3Arg (NM_001256876.3, NM_001256877.3, NM_001354331.2 and 2 more transcripts); c.-500A>G (NM_001354333.2); short protein forms H3R.
Identifiers: ClinVar variation 1719384 (VCV001719384.5), dbSNP rs2538596387, ClinGen allele CA372745257.
Genomic context (GRCh38, chr9:676,980, plus strand): 5'-AATTTGCATGACTCCTCACTCCTTTCTGGATCTCTCATTGGACTCAAGCCAGCATGGCTC[A>G]CACCACAAAGGTTAACGGCAGTGCCTCAGGTAACCCTGTGCTCTGGAGTTTGTGTGTTAA-3'
Protein context (NP_055973.2, residues 1-13): MA[His3Arg]TTKVNGSASG